The following is an entry in ClinVar:

ClinVar aggregate classification (germline): Likely benign. Review status: criteria provided, single submitter (1 of 4 stars). 2 submissions from 2 submitters: Likely benign (1). 1 of the submissions does not count toward it. Last evaluated 2025-06-12.

Conditions:
ROBO2-related disorder. Also called: ROBO2-related condition.

Allele frequency attached by ClinVar (database versions not stated): TOPMed 0.00008; gnomAD 0.00007; ESP Exome Variant Server 0.00017; 1000 Genomes Project 0.00020; 1000 Genomes Project 30x 0.00047; ExAC 0.00002.
gnomAD v4.1: 21 of 1,608,384 alleles (0.0013%); highest among the groups gnomAD compares: African/African-American, 0.021%; no homozygotes.

Submissions (2):

Labcorp Genetics (formerly Invitae), Labcorp
Classification: Likely benign. Last evaluated: 2025-06-12. Review status: criteria provided, single submitter. Criteria: Invitae Variant Classification Sherloc (09022015). Collection method: clinical testing. Allele origin: germline.

PreventionGenetics, part of Exact Sciences
Classification: Likely benign for ROBO2-related condition. Last evaluated: 2019-06-02. Review status: no assertion criteria provided. Collection method: clinical testing. Allele origin: germline. Not counted in ClinVar's aggregate classification.
Comment: This variant is classified as likely benign based on ACMG/AMP sequence variant interpretation guidelines (Richards et al. 2015 PMID: 25741868, with internal and published modifications).

NM_001395656.1(ROBO2):c.1450-4C>T

Gene: ROBO2 (roundabout guidance receptor 2; plus strand). Cytogenetic location: 3p12.3.
Variant type: single nucleotide variant.
Coding change: c.1450-4C>T on transcript NM_001395656.1 (MANE Select); 4 bases into the intron before coding-DNA position 1450, C replaced by T.
Molecular consequence: intron variant.
Genome position (GRCh38, 1-based): chr3:77,562,647, C>T. VCF-style: chr3-77562647-C-T. GRCh37 (hg19) VCF-style: chr3-77611798-C-T.
Other names: c.1498-4C>T (NM_001378191.1, NM_001378195.1, NM_001378196.1 and 4 more transcripts); c.1486-4C>T (NM_001128929.3); c.1519-4C>T (NM_001394213.1, NM_001378192.1, NM_001378198.1 and 2 more transcripts); c.1507-4C>T (NM_001394212.1, NM_001395657.1, NM_001394214.1); c.1450-4C>T (NM_001290040.2, NM_001290039.2, NM_001378202.1); c.-481-4C>T (NM_001290065.2); c.1438-4C>T (NM_001378197.1, NM_001378193.1, NM_002942.5).
Identifiers: ClinVar variation 3041600 (VCV003041600.4), dbSNP rs367798720, ClinGen allele CA2497063.